The following is an entry in ClinVar:

ClinVar aggregate classification (germline): Uncertain significance (1 of 4 stars; one submission).

Conditions:
X-linked severe combined immunodeficiency (SCIDX1). Also called: IMMUNODEFICIENCY 4; SCID, X-LINKED; SEVERE COMBINED IMMUNODEFICIENCY, X-LINKED, T CELL-NEGATIVE, B CELL-POSITIVE, NK CELL-NEGATIVE; X-Linked Combined Immunodeficiency Diseases; T-B+ severe combined immunodeficiency due to gamma chain deficiency. Identifiers: Orphanet 276, MedGen C6022468, MONDO:0010315, OMIM 300400. Disease mechanism: loss of function.

Submission:

Labcorp Genetics (formerly Invitae), Labcorp
Classification: Uncertain significance for X-linked severe combined immunodeficiency. Last evaluated: 2024-09-09. Review status: criteria provided, single submitter. Criteria: Invitae Variant Classification Sherloc (09022015). Collection method: clinical testing. Allele origin: germline.
Comment: This sequence change replaces asparagine, which is neutral and polar, with histidine, which is basic and polar, at codon 254 of the IL2RG protein (p.Asn254His). This variant is not present in population databases (gnomAD no frequency). This variant has not been reported in the literature in individuals affected with IL2RG-related conditions. An algorithm developed to predict the effect of missense changes on protein structure and function (PolyPhen-2) suggests that this variant is likely to be tolerated. In summary, the available evidence is currently insufficient to determine the role of this variant in disease. Therefore, it has been classified as a Variant of Uncertain Significance.

NM_000206.3(IL2RG):c.760A>C (p.Asn254His)

Gene: IL2RG (interleukin 2 receptor subunit gamma; minus strand). Cytogenetic location: Xq13.1.
Variant type: single nucleotide variant.
Coding change: c.760A>C on transcript NM_000206.3 (MANE Select); coding-DNA position 760, A replaced by C.
Protein change: p.Asn254His; replaces asparagine 254 with histidine.
Molecular consequence: missense variant.
Genome position (GRCh38, 1-based): chrX:71,108,693, T>G on the plus strand (A>C on the coding strand, the complement: IL2RG is on the minus strand). VCF-style: chrX-71108693-T-G. GRCh37 (hg19) VCF-style: chrX-70328543-T-G.
Other names: short protein forms N254H.
Identifiers: ClinVar variation 3720397 (VCV003720397.2).